The following is an entry in ClinVar:

ClinVar aggregate classification (germline): Benign/Likely benign. Review status: criteria provided, multiple submitters, no conflicts (2 of 4 stars). 6 submissions from 6 submitters: Benign (1); Likely benign (4). 1 of the submissions does not count toward it. Last evaluated 2026-08-01.

Conditions:
Hypogonadotropic hypogonadism 5 with or without anosmia (KAL5). Also called: HYPOGONADOTROPIC HYPOGONADISM 5 WITH ANOSMIA; HYPOGONADOTROPHIC HYPOGONADISM 5 WITHOUT ANOSMIA; CHD7-Related GnRH Deficiency (Kallmann Syndrome 5). Identifiers: Orphanet 478, MedGen C3552553, MONDO:0012880, OMIM 612370. Disease mechanism: loss of function.
CHD7-related disorder. Also called: CHD7-related condition.
Inborn genetic diseases. Identifiers: MedGen C0950123, MeSH D030342.
CHARGE syndrome (CHARGE). Also called: Hittner Hirsch Kreh syndrome; Coloboma, heart anomaly, choanal atresia, retardation, genital and ear anomalies; CHARGE association; Hall-Hittner syndrome; CHARGE ASSOCIATION--COLOBOMA, HEART ANOMALY, CHOANAL ATRESIA, RETARDATION, GENITAL AND EAR ANOMALIES. Identifiers: Orphanet 138, MedGen C0265354, MONDO:0008965.

Allele frequency attached by ClinVar (database versions not stated): gnomAD 0.00004 and 0.00005; TOPMed 0.00004; gnomAD exomes 0.00013 and 0.00017; 1000 Genomes Project 30x 0.00016; 1000 Genomes Project 0.00020; ExAC 0.00023.

Submissions (6):

CeGaT Center for Human Genetics Tuebingen
Classification: Likely benign. Last evaluated: 2026-08-01. Review status: criteria provided, single submitter. Criteria: CeGaT Center For Human Genetics Tuebingen Variant Classification Criteria Version 2. Collection method: clinical testing. Allele origin: germline. Affected: yes. Observed: 1 variant allele.
Comment: CHD7: BP4, BP7

Labcorp Genetics (formerly Invitae), Labcorp
Classification: Benign for CHARGE syndrome. Last evaluated: 2025-08-22. Review status: criteria provided, single submitter. Criteria: Invitae Variant Classification Sherloc (09022015). Collection method: clinical testing. Allele origin: germline.

GeneDx
Classification: Likely benign. Last evaluated: 2020-02-19. Review status: criteria provided, single submitter. Criteria: GeneDx Variant Classification (06012015). Collection method: clinical testing. Allele origin: germline. Affected: yes.
Comment: This variant is associated with the following publications: (PMID: 21158681)

Illumina Laboratory Services, Illumina
Classification: Likely benign for Kallmann Syndrome 5. Last evaluated: 2017-04-28. Review status: criteria provided, single submitter. Criteria: ICSL Variant Classification Criteria 13 December 2019. Collection method: clinical testing. Allele origin: germline.
Comment: This variant was observed as part of a predisposition screen in an ostensibly healthy population. A literature search was performed for the gene, cDNA change, and amino acid change (where applicable). No publications were found based on this search. Allele frequency data from public databases allowed determination this variant is unlikely to cause disease. Therefore, this variant is classified as likely benign.

Ambry Genetics
Classification: Likely benign for Inborn genetic diseases. Last evaluated: 2016-07-05. Review status: criteria provided, single submitter. Criteria: Ambry Variant Classification Scheme 2023. Collection method: clinical testing. Allele origin: germline.

PreventionGenetics, part of Exact Sciences
Classification: Likely benign for CHD7-related condition. Last evaluated: 2019-05-22. Review status: no assertion criteria provided. Collection method: clinical testing. Allele origin: germline. Not counted in ClinVar's aggregate classification.
Comment: This variant is classified as likely benign based on ACMG/AMP sequence variant interpretation guidelines (Richards et al. 2015 PMID: 25741868, with internal and published modifications).

NM_017780.4(CHD7):c.1029C>T (p.Ser343=)

Gene: CHD7 (chromodomain helicase DNA binding protein 7; plus strand). Cytogenetic location: 8q12.2.
Variant type: single nucleotide variant.
Coding change: c.1029C>T on transcript NM_017780.4 (MANE Select); coding-DNA position 1029, C replaced by T.
Protein change: p.Ser343=; no amino-acid change (serine 343 retained).
Molecular consequence: synonymous variant.
Genome position (GRCh38, 1-based): chr8:60,742,461, C>T. VCF-style: chr8-60742461-C-T. GRCh37 (hg19) VCF-style: chr8-61655020-C-T.
Other names: c.1029C>T, p.Ser343= (NM_001316690.1).
Identifiers: ClinVar variation 529153 (VCV000529153.24), dbSNP rs570815501, ClinGen allele CA4759416.